The following is an entry in ClinVar:

ClinVar aggregate classification (germline): Uncertain significance. Review status: criteria provided, multiple submitters, no conflicts (2 of 4 stars). 2 submissions from 2 submitters: Uncertain significance (2). Last evaluated 2024-08-21.

Conditions:
Inborn genetic diseases. Identifiers: MedGen C0950123, MeSH D030342.

gnomAD v4.1: 25 of 1,613,754 alleles (0.0015%); highest among the groups gnomAD compares: Non-Finnish European, 0.0019%; no homozygotes.

Submissions (2):

Ambry Genetics
Classification: Uncertain significance for Inborn genetic diseases. Last evaluated: 2024-08-21. Review status: criteria provided, single submitter. Criteria: Ambry Variant Classification Scheme 2023. Collection method: clinical testing. Allele origin: germline.

Labcorp Genetics (formerly Invitae), Labcorp
Classification: Uncertain significance. Last evaluated: 2024-04-13. Review status: criteria provided, single submitter. Criteria: Invitae Variant Classification Sherloc (09022015). Collection method: clinical testing. Allele origin: germline.
Comment: This sequence change replaces arginine, which is basic and polar, with tryptophan, which is neutral and slightly polar, at codon 1085 of the LRP6 protein (p.Arg1085Trp). This variant is not present in population databases (gnomAD no frequency). This variant has not been reported in the literature in individuals affected with LRP6-related conditions. Advanced modeling of protein sequence and biophysical properties (such as structural, functional, and spatial information, amino acid conservation, physicochemical variation, residue mobility, and thermodynamic stability) performed at Invitae indicates that this missense variant is not expected to disrupt LRP6 protein function with a negative predictive value of 80%. In summary, the available evidence is currently insufficient to determine the role of this variant in disease. Therefore, it has been classified as a Variant of Uncertain Significance.

NM_002336.3(LRP6):c.3253C>T (p.Arg1085Trp)

Gene: LRP6 (LDL receptor related protein 6; minus strand). Cytogenetic location: 12p13.2.
Variant type: single nucleotide variant.
Coding change: c.3253C>T on transcript NM_002336.3 (MANE Select); coding-DNA position 3253, C replaced by T.
Protein change: p.Arg1085Trp; replaces arginine 1085 with tryptophan.
Molecular consequence: missense variant. On other transcripts: non-coding transcript variant (1).
Genome position (GRCh38, 1-based): chr12:12,147,510, G>A on the plus strand (C>T on the coding strand, the complement: LRP6 is on the minus strand). VCF-style: chr12-12147510-G-A. GRCh37 (hg19) VCF-style: chr12-12300444-G-A.
Other names: c.2800C>T, p.Arg934Trp (NM_001414253.1, NM_001414254.1, NM_001414252.1); c.2746C>T, p.Arg916Trp (NM_001414255.1); c.3253C>T, p.Arg1085Trp (NM_001414244.1, NM_001414245.1, NM_001414246.1 and 4 more transcripts); c.3055C>T, p.Arg1019Trp (NM_001414247.1); short protein forms R916W, R1085W, R934W, R1019W.
Identifiers: ClinVar variation 3539718 (VCV003539718.3).